The following is an entry in ClinVar:

NM_018100.4(EFHC1):c.1288dup (p.Ile430fs)

Gene: EFHC1 (EF-hand domain containing 1; plus strand). Cytogenetic location: 6p12.2.
Variant type: Duplication.
Coding change: c.1288dup on transcript NM_018100.4 (MANE Select); coding-DNA position 1288, one base duplicated (A; older notation c.1288dupA).
Protein change: p.Ile430fs; shifts the reading frame from isoleucine 430.
Molecular consequence: frameshift variant. On other transcripts: non-coding transcript variant (1).
Genome position (GRCh38, 1-based): chr6:52,479,046, A duplicated. VCF-style (leftmost placement, unchanged base first): chr6-52479045-C-CA. GRCh37 (hg19) VCF-style: chr6-52343843-C-CA.
Other names: c.1231dup, p.Ile411fs (NM_001172420.2); short protein forms I411fs, I430fs.
Identifiers: ClinVar variation 954888 (VCV000954888.7), dbSNP rs752642262, ClinGen allele CA3856055.

ClinVar aggregate classification (germline): Uncertain significance. Review status: criteria provided, multiple submitters, no conflicts (2 of 4 stars). 2 submissions from 2 submitters: Uncertain significance (2). Last evaluated 2024-01-29.

Conditions:
Typical absence seizure. Identifiers: MedGen C5551411, HP:0011147.
Myoclonic epilepsy, juvenile, susceptibility to, 1. Also called: Myoclonic Epilepsy, Juvenile, 1; EJM1. Identifiers: MedGen C1850778, MONDO:0020752, OMIM 254770.

Allele frequency attached by ClinVar (database versions not stated): gnomAD exomes below 0.00001 and 0.00001; ExAC 0.00001; gnomAD 0.00001; TOPMed 0.00002.

Submissions (2):

Greenwood Genetic Center Diagnostic Laboratories, Greenwood Genetic Center
Classification: Uncertain significance. Last evaluated: 2024-01-29. Review status: criteria provided, single submitter. Criteria: ACMG Guidelines, 2015. Collection method: clinical testing. Allele origin: germline. Affected: yes.
Comment: PM2

Labcorp Genetics (formerly Invitae), Labcorp
Classification: Uncertain significance for Myoclonic epilepsy, juvenile, susceptibility to, 1; Absence seizure. Last evaluated: 2019-10-20. Review status: criteria provided, single submitter. Criteria: Invitae Variant Classification Sherloc (09022015). Collection method: clinical testing. Allele origin: germline.
Comment: This sequence change creates a premature translational stop signal (p.Ile430Asnfs*24) in the EFHC1 gene. It is expected to result in an absent or disrupted protein product. This variant is present in population databases (rs752642262, ExAC 0.01%). This variant has not been reported in the literature in individuals with EFHC1-related conditions. The current clinical and genetic evidence is not sufficient to establish whether loss-of-function variants in EFHC1 cause disease. In summary, the available evidence is currently insufficient to determine the role of this variant in disease. Therefore, it has been classified as a Variant of Uncertain Significance.